The following is an entry in ClinVar:

ClinVar aggregate classification (germline): Benign. Review status: criteria provided, multiple submitters, no conflicts (2 of 4 stars). 2 submissions from 2 submitters: Benign (2). Last evaluated 2018-01-13.

Conditions:
Progressive external ophthalmoplegia with mitochondrial DNA deletions, autosomal dominant 2. Also called: PROGRESSIVE EXTERNAL OPHTHALMOPLEGIA, AUTOSOMAL DOMINANT 2. Identifiers: MedGen C1836460, MONDO:0012238, OMIM 609283.

Allele frequency attached by ClinVar (database versions not stated): gnomAD 0.02960 and 0.03120; TOPMed 0.03132; 1000 Genomes Project 30x 0.03623; 1000 Genomes Project 0.03654.

Submissions (2):

Illumina Laboratory Services, Illumina
Classification: Benign for Progressive external ophthalmoplegia with mitochondrial DNA deletions, autosomal dominant 2. Last evaluated: 2018-01-13. Review status: criteria provided, single submitter. Criteria: ICSL Variant Classification Criteria 13 December 2019. Collection method: clinical testing. Allele origin: germline.
Comment: This variant was observed in the ICSL laboratory as part of a predisposition screen in an ostensibly healthy population. It had not been previously curated by ICSL or reported in the Human Gene Mutation Database (HGMD: prior to June 1st, 2018), and was therefore a candidate for classification through an automated scoring system. Utilizing variant allele frequency, disease prevalence and penetrance estimates, and inheritance mode, an automated score was calculated to assess if this variant is too frequent to cause the disease. Based on the score and internal cut-off values, a variant classified as benign is not then subjected to further curation. The score for this variant resulted in a classification of benign for this disease.

Breakthrough Genomics
Classification: Benign. Review status: criteria provided, single submitter. Criteria: ACMG Guidelines, 2015. Collection method: not provided. Allele origin: germline. Inheritance: Autosomal recessive inheritance. Affected: yes.

NM_001151.4(SLC25A4):c.*873G>A

Gene: SLC25A4 (solute carrier family 25 member 4; plus strand). Cytogenetic location: 4q35.1.
Variant type: single nucleotide variant.
Coding change: c.*873G>A on transcript NM_001151.4 (MANE Select); 873 bases downstream of the stop codon, G replaced by A.
Molecular consequence: 3 prime UTR variant.
Genome position (GRCh38, 1-based): chr4:185,147,844, G>A. VCF-style: chr4-185147844-G-A. GRCh37 (hg19) VCF-style: chr4-186068998-G-A.
Identifiers: ClinVar variation 348259 (VCV000348259.6), dbSNP rs76680834, ClinGen allele CA10618358.